The following is an entry in ClinVar:

ClinVar aggregate classification (germline): Uncertain significance (1 of 4 stars; one submission).

Submission:

GeneDx
Classification: Uncertain significance. Last evaluated: 2023-06-22. Review status: criteria provided, single submitter. Criteria: GeneDx Variant Classification Process June 2021. Collection method: clinical testing. Allele origin: germline. Affected: yes.
Comment: Not observed at significant frequency in large population cohorts (gnomAD); In silico analysis supports that this missense variant has a deleterious effect on protein structure/function; Has not been previously published as pathogenic or benign to our knowledge; This variant is associated with the following publications: (PMID: 27839871)

NM_001134407.3(GRIN2A):c.1828G>C (p.Gly610Arg)

Gene: GRIN2A (glutamate ionotropic receptor NMDA type subunit 2A; minus strand). Cytogenetic location: 16p13.2.
Variant type: single nucleotide variant.
Coding change: c.1828G>C on transcript NM_001134407.3 (MANE Select); coding-DNA position 1828, G replaced by C.
Protein change: p.Gly610Arg; replaces glycine 610 with arginine.
Molecular consequence: missense variant.
Genome position (GRCh38, 1-based): chr16:9,829,602, C>G on the plus strand (G>C on the coding strand, the complement: GRIN2A is on the minus strand). VCF-style: chr16-9829602-C-G. GRCh37 (hg19) VCF-style: chr16-9923459-C-G.
Other names: c.1828G>C, p.Gly610Arg (NM_000833.5, NM_001134408.2); short protein forms G610R.
Identifiers: ClinVar variation 3360341 (VCV003360341.1).